The following is an entry in ClinVar:

NM_025216.3(WNT10A):c.1120_1134dup (p.Gly378_Arg379insSerMetCysCysGly)

Gene: WNT10A (Wnt family member 10A; plus strand). Cytogenetic location: 2q35.
Variant type: Duplication.
Coding change: c.1120_1134dup on transcript NM_025216.3 (MANE Select); coding-DNA positions 1120 to 1134, 15 bases duplicated (AGCATGTGCTGCGGC).
Protein change: p.Gly378_Arg379insSerMetCysCysGly.
Molecular consequence: inframe insertion.
Genome position (GRCh38, 1-based): chr2:218,893,137-218,893,151, AGCATGTGCTGCGGC duplicated; duplicating any 15 consecutive bases within chr2:218,893,129-218,893,151 gives the same sequence; the c. name uses the placement nearest the transcript's 3' end. VCF-style (leftmost placement, unchanged base first): chr2-218893128-G-GGCTGCGGCAGCATGT. GRCh37 (hg19) VCF-style: chr2-219757850-G-GGCTGCGGCAGCATGT.
Identifiers: ClinVar variation 2933866 (VCV002933866.3), dbSNP rs1246193072, ClinGen allele CA539840853.

ClinVar aggregate classification (germline): Uncertain significance (1 of 4 stars; one submission).

Conditions:
Odonto-onycho-dermal dysplasia. Identifiers: Orphanet 2721, MedGen C0796093, MONDO:0009773, OMIM 257980.
Tooth agenesis, selective, 4 (STHAG4). Also called: LATERAL INCISORS, ABSENCE OF; LATERAL INCISORS, PEGGED OR MISSING; SUCCEDANEOUS TEETH, AGENESIS OF; TOOTH AGENESIS, SELECTIVE, 4, WITH OR WITHOUT ECTODERMAL DYSPLASIA. Identifiers: Orphanet 99798, MedGen C1835492, MONDO:0007881, OMIM 150400. Disease mechanism: loss of function.

Submission:

Labcorp Genetics (formerly Invitae), Labcorp
Classification: Uncertain significance for Tooth agenesis, selective, 4; Odonto-onycho-dermal dysplasia. Last evaluated: 2024-09-23. Review status: criteria provided, single submitter. Criteria: Invitae Variant Classification Sherloc (09022015). Collection method: clinical testing. Allele origin: germline.
Comment: This variant, c.1120_1134dup, results in the insertion of 5 amino acid(s) of the WNT10A protein (p.Ser374_Gly378dup), but otherwise preserves the integrity of the reading frame. This variant is present in population databases (no rsID available, gnomAD 0.003%). This variant has not been reported in the literature in individuals affected with WNT10A-related conditions. Experimental studies and prediction algorithms are not available or were not evaluated, and the functional significance of this variant is currently unknown. In summary, the available evidence is currently insufficient to determine the role of this variant in disease. Therefore, it has been classified as a Variant of Uncertain Significance.